The following is an entry in ClinVar:

NM_024577.4(SH3TC2):c.172G>A (p.Val58Ile)

Gene: SH3TC2 (SH3 domain and tetratricopeptide repeats 2; minus strand). Cytogenetic location: 5q32.
Variant type: single nucleotide variant.
Coding change: c.172G>A on transcript NM_024577.4 (MANE Select); coding-DNA position 172, G replaced by A.
Protein change: p.Val58Ile; replaces valine 58 with isoleucine.
Molecular consequence: missense variant.
Genome position (GRCh38, 1-based): chr5:149,047,969, C>T on the plus strand (G>A on the coding strand, the complement: SH3TC2 is on the minus strand). VCF-style: chr5-149047969-C-T. GRCh37 (hg19) VCF-style: chr5-148427532-C-T.
Other names: short protein forms V58I.
Identifiers: ClinVar variation 2103683 (VCV002103683.4), dbSNP rs1043365625, ClinGen allele CA361679398.

ClinVar aggregate classification (germline): Uncertain significance (1 of 4 stars; one submission).

Conditions:
Charcot-Marie-Tooth disease type 4. Also called: Charcot-Marie-Tooth disease, type IV; Charcot-Marie-Tooth, Type 4. Identifiers: Orphanet 64749, MedGen C4082197, MONDO:0018995.

Submission:

Labcorp Genetics (formerly Invitae), Labcorp
Classification: Uncertain significance for Charcot-Marie-Tooth disease type 4. Last evaluated: 2022-02-25. Review status: criteria provided, single submitter. Criteria: Invitae Variant Classification Sherloc (09022015). Collection method: clinical testing. Allele origin: germline.
Comment: This sequence change replaces valine, which is neutral and non-polar, with isoleucine, which is neutral and non-polar, at codon 58 of the SH3TC2 protein (p.Val58Ile). This variant is not present in population databases (gnomAD no frequency). This variant has not been reported in the literature in individuals affected with SH3TC2-related conditions. Advanced modeling of protein sequence and biophysical properties (such as structural, functional, and spatial information, amino acid conservation, physicochemical variation, residue mobility, and thermodynamic stability) performed at Invitae indicates that this missense variant is not expected to disrupt SH3TC2 protein function. In summary, the available evidence is currently insufficient to determine the role of this variant in disease. Therefore, it has been classified as a Variant of Uncertain Significance.